The following is an entry in ClinVar:

NM_007294.4(BRCA1):c.81-5_81-1delinsACCTTGA

Gene: BRCA1 (BRCA1 DNA repair associated; minus strand). Cytogenetic location: 17q21.31.
Variant type: Indel.
Coding change: c.81-5_81-1delinsACCTTGA on transcript NM_007294.4 (MANE Select); 5 bases into the intron before coding-DNA position 81 through the canonical splice acceptor site of the intron before coding-DNA position 81, GCTAG replaced by ACCTTGA.
Molecular consequence: splice acceptor variant. On other transcripts: intron variant (41).
Genome position (GRCh38, 1-based): chr17:43,115,780-43,115,784, CTAGC replaced by TCAAGGT on the plus strand (GCTAG replaced by ACCTTGA on the coding strand, the reverse complement: BRCA1 is on the minus strand). VCF-style: chr17-43115780-CTAGC-TCAAGGT. GRCh37 (hg19) VCF-style: chr17-41267797-CTAGC-TCAAGGT.
Other names: c.-61-5_-61-1delinsACCTTGA (NM_001408458.1, NM_001408470.1, NM_001407848.1 and 47 more transcripts); c.-219+9493_-219+9497delinsACCTTGA (NM_001407967.1); c.-170+9493_-170+9497delinsACCTTGA (NM_001407959.1); c.-7-9251_-7-9247delinsACCTTGA (NM_001407931.1, NM_001407747.1, NM_001408511.1 and 2 more transcripts); c.-223-5_-223-1delinsACCTTGA (NM_001407962.1, NM_001408512.1, NM_001408510.1 and 1 more transcripts); c.-108-5_-108-1delinsACCTTGA (NM_001407885.1, NM_001407886.1, NM_001408509.1 and 52 more transcripts); c.-177-5_-177-1delinsACCTTGA (NM_001407746.1, NM_001408468.1, NM_001407842.1 and 13 more transcripts); c.-8+8233_-8+8237delinsACCTTGA (NM_001408461.1, NM_001407738.1, NM_001407932.1 and 23 more transcripts); and 10 more.
Identifiers: ClinVar variation 491192 (VCV000491192.5), dbSNP rs1555599292, ClinGen allele CA658684101.

ClinVar aggregate classification (germline): Pathogenic (1 of 4 stars; one submission).

Conditions:
Hereditary cancer-predisposing syndrome. Also called: Hereditary Cancer Syndrome; Neoplastic Syndromes, Hereditary; Tumor predisposition; Hereditary neoplastic syndrome. Identifiers: Orphanet 140162, MedGen C0027672, MeSH D009386, MONDO:0015356.

Submission:

Color Diagnostics, LLC DBA Color Health
Classification: Pathogenic for Hereditary cancer-predisposing syndrome. Last evaluated: 2020-11-17. Review status: criteria provided, single submitter. Criteria: ACMG Guidelines, 2015. Collection method: clinical testing. Allele origin: germline.
Comment: This variant causes a substitution of the last 5 nucleotides in intron 2 of the BRCA1 gene. This variant may also be described as IVS2-5delGCTAGinsACCTTGA or IVS2-5del5ins7. Splice site prediction tools predict that this variant may have a significant impact on RNA splicing. To our knowledge, functional studies have not been reported for this variant. This variant has been observed in individuals affected with breast cancer (Color internal data). Multiple other variants impacting canonical splice site nucleotides (-2 and -1 positions) in the intron 2 splice acceptor site have been reported as disease-causing in ClinVar (variation ID: 55715, 55716, 55717, 91668, 136092) and observed in individuals affected with breast and/or ovarian cancer (PMID: 22711857, 30078507, 30287823, 32438681; UMD database). The other canonical splice acceptor site variants in intron 2 also have been shown to be defective in haploid cell growth assays (PMID: 30209399, 31467430) and c.81-1G>C has been shown to disrupt splicing leading to an absent or nonfunctional protein product (PMID: 22505045, 23239986). This variant has not been identified in the general population by the Genome Aggregation Database (gnomAD). Loss of BRCA1 function is a known mechanism of disease. Based on the available evidence, this variant is classified as Pathogenic.